The following is an entry in ClinVar:

NM_007325.5(GRIA3):c.396C>T (p.Asp132=)

Gene: GRIA3 (glutamate ionotropic receptor AMPA type subunit 3; plus strand). Cytogenetic location: Xq25.
Variant type: single nucleotide variant.
Coding change: c.396C>T on transcript NM_007325.5 (MANE Select); coding-DNA position 396, C replaced by T.
Protein change: p.Asp132=; no amino-acid change (aspartic acid 132 retained).
Molecular consequence: synonymous variant.
Genome position (GRCh38, 1-based): chrX:123,253,430, C>T. VCF-style: chrX-123253430-C-T. GRCh37 (hg19) VCF-style: chrX-122387281-C-T.
Other names: c.396C>T, p.Asp132= (NM_000828.5).
Identifiers: ClinVar variation 1569373 (VCV001569373.32), dbSNP rs192636764, ClinGen allele CA10506890.
Genomic context (GRCh38, chrX:123,253,430, plus strand): 5'-CCTGACCTCCTTCTGTGGGGCCCTGCACACATCCTTTGTTACGCCTAGCTTCCCCACTGA[C>T]GCAGATGTGCAGTTTGTCATCCAGATGCGCCCAGCCTTGAAGGGCGCTATTCTGAGTCTT-3'
Protein context (NP_015564.5, residues 122-142): TSFVTPSFPT[Asp132=]ADVQFVIQMR

ClinVar aggregate classification (germline): Likely benign. Review status: criteria provided, multiple submitters, no conflicts (2 of 4 stars). 3 submissions from 3 submitters: Likely benign (3). Last evaluated 2025-10-08.

Allele frequency attached by ClinVar (database versions not stated): gnomAD 0.00002 and 0.00005; TOPMed 0.00004; ExAC 0.00005; gnomAD exomes 0.00006; 1000 Genomes Project 30x 0.00042; 1000 Genomes Project 0.00053.
gnomAD v4.1: 74 of 1,209,525 alleles (0.0061%); highest among the groups gnomAD compares: South Asian, 0.028%; no homozygotes.

Submissions (3):

Labcorp Genetics (formerly Invitae), Labcorp
Classification: Likely benign. Last evaluated: 2025-10-08. Review status: criteria provided, single submitter. Criteria: Invitae Variant Classification Sherloc (09022015). Collection method: clinical testing. Allele origin: germline.

Blueprint Genetics
Classification: Likely benign. Last evaluated: 2024-10-17. Review status: criteria provided, single submitter. Criteria: ACMG Guidelines, 2015. Collection method: clinical testing. Allele origin: germline.

CeGaT Center for Human Genetics Tuebingen
Classification: Likely benign. Last evaluated: 2023-08-01. Review status: criteria provided, single submitter. Criteria: CeGaT Center For Human Genetics Tuebingen Variant Classification Criteria Version 2. Collection method: clinical testing. Allele origin: germline. Affected: yes. Observed: 1 variant allele.
Comment: GRIA3: BP4, BP7, BS2